The following is an entry in ClinVar:

ClinVar aggregate classification (germline): Uncertain significance. Review status: criteria provided, multiple submitters, no conflicts (2 of 4 stars). 2 submissions from 2 submitters: Uncertain significance (2). Last evaluated 2024-12-03.

Conditions:
Long QT syndrome (LQTS). Identifiers: MedGen C0023976, MeSH D008133, MONDO:0002442. Disease mechanism: loss of function. Inheritance: Various modes of inheritance.

Submissions (2):

GeneDx
Classification: Uncertain significance. Last evaluated: 2024-12-03. Review status: criteria provided, single submitter. Criteria: GeneDx Variant Classification Process June 2021. Collection method: clinical testing. Allele origin: germline. Affected: yes.
Comment: Not observed at significant frequency in large population cohorts (gnomAD); In silico analysis supports that this missense variant has a deleterious effect on protein structure/function; Has not been previously published as pathogenic or benign to our knowledge

All of Us Research Program, National Institutes of Health
Classification: Uncertain significance for Long QT syndrome. Last evaluated: 2023-05-04. Review status: criteria provided, single submitter. Criteria: ACMG Guidelines, 2015. Collection method: clinical testing. Allele origin: germline. Inheritance: Autosomal dominant inheritance. Observed: 1 variant allele, 1 heterozygote.
Comment: This missense variant replaces glutamic acid with lysine at codon 372 of the KCNH2 protein. Computational prediction suggests that this variant may have deleterious impact on protein structure and function (internally defined REVEL score threshold >= 0.7, PMID: 27666373). To our knowledge, functional studies have not been reported for this variant. This variant has not been reported in individuals affected with KCNH2-related disorders in the literature. This variant has not been identified in the general population by the Genome Aggregation Database (gnomAD). The available evidence is insufficient to determine the role of this variant in disease conclusively. Therefore, this variant is classified as a Variant of Uncertain Significance.

This study involves interpretation of variants in research participants for the purpose of population health screening. Participant phenotype was not available at the time of variant classification. Additional details can be found in publication PMID: 35346344, PMCID: PMC8962531

NM_000238.4(KCNH2):c.1114G>A (p.Glu372Lys)

Gene: KCNH2 (potassium voltage-gated channel subfamily H member 2; minus strand). Cytogenetic location: 7q36.1.
Variant type: single nucleotide variant.
Coding change: c.1114G>A on transcript NM_000238.4 (MANE Select); coding-DNA position 1114, G replaced by A.
Protein change: p.Glu372Lys; replaces glutamic acid 372 with lysine.
Molecular consequence: missense variant. On other transcripts: non-coding transcript variant (1).
Genome position (GRCh38, 1-based): chr7:150,957,305, C>T on the plus strand (G>A on the coding strand, the complement: KCNH2 is on the minus strand). VCF-style: chr7-150957305-C-T. GRCh37 (hg19) VCF-style: chr7-150654393-C-T.
Other names: c.826G>A, p.Glu276Lys (NM_001406753.1, NM_001406756.1); c.937G>A, p.Glu313Lys (NM_001406755.1); c.814G>A, p.Glu272Lys (NM_001406757.1); c.1114G>A, p.Glu372Lys (NM_172056.3); c.1114G>A (NM_000238.2); short protein forms E272K, E276K, E313K, E372K.
Identifiers: ClinVar variation 3070729 (VCV003070729.2), dbSNP rs2486080709, ClinGen allele CA369861439.